The following is an entry in ClinVar:

ClinVar aggregate classification (germline): Uncertain significance (1 of 4 stars; one submission).

Conditions:
Neuropathy, hereditary sensory, type 2C. Also called: KIF1A-Related HSAN2 (HSAN2C); Hereditary sensory and autonomic neuropathy type IIC. Identifiers: Orphanet 970, MedGen C3280168, MONDO:0013634, OMIM 614213.
Hereditary spastic paraplegia 30. Identifiers: Orphanet 101010, MedGen C5235139, MONDO:0012476.
Intellectual disability, autosomal dominant 9 (NESCAVS). Also called: NESCAV SYNDROME; KIF1A-Related Neurodevelopmental Disorder. Identifiers: Orphanet 662367, MedGen C5393830, MONDO:0013656, OMIM 614255.

Allele frequency attached by ClinVar (database versions not stated): gnomAD exomes below 0.00001.
gnomAD v4.1: 3 of 1,612,992 alleles (0.00019%); highest among the groups gnomAD compares: Non-Finnish European, 0.00025%; no homozygotes.

Submission:

Labcorp Genetics (formerly Invitae), Labcorp
Classification: Uncertain significance for Hereditary spastic paraplegia 30; Neuropathy, hereditary sensory, type 2C; Intellectual disability, autosomal dominant 9. Last evaluated: 2023-09-11. Review status: criteria provided, single submitter. Criteria: Invitae Variant Classification Sherloc (09022015). Collection method: clinical testing. Allele origin: germline.
Comment: This sequence change replaces arginine, which is basic and polar, with histidine, which is basic and polar, at codon 1003 of the KIF1A protein (p.Arg1003His). This variant is not present in population databases (gnomAD no frequency). This variant has not been reported in the literature in individuals affected with KIF1A-related conditions. Advanced modeling of protein sequence and biophysical properties (such as structural, functional, and spatial information, amino acid conservation, physicochemical variation, residue mobility, and thermodynamic stability) performed at Invitae indicates that this missense variant is not expected to disrupt KIF1A protein function. In summary, the available evidence is currently insufficient to determine the role of this variant in disease. Therefore, it has been classified as a Variant of Uncertain Significance.

NM_001244008.2(KIF1A):c.3311G>A (p.Arg1104His)

Gene: KIF1A (kinesin family member 1A; minus strand). Cytogenetic location: 2q37.3.
Variant type: single nucleotide variant.
Coding change: c.3311G>A on transcript NM_001244008.2 (MANE Select); coding-DNA position 3311, G replaced by A.
Protein change: p.Arg1104His; replaces arginine 1104 with histidine.
Molecular consequence: missense variant.
Genome position (GRCh38, 1-based): chr2:240,745,801, C>T on the plus strand (G>A on the coding strand, the complement: KIF1A is on the minus strand). VCF-style: chr2-240745801-C-T. GRCh37 (hg19) VCF-style: chr2-241685218-C-T.
Other names: c.3035G>A, p.Arg1012His (NM_001320705.2, NM_001330289.2, NM_001379638.1); c.3110G>A, p.Arg1037His (NM_001330290.2, NM_001379634.1, NM_001379635.1 and 1 more transcripts); c.3386G>A, p.Arg1129His (NM_001379631.1); c.3260G>A, p.Arg1087His (NM_001379632.1); c.3284G>A, p.Arg1095His (NM_001379633.1, NM_001379642.1, NM_001379645.1); c.3008G>A, p.Arg1003His (NM_001379636.1, NM_001379639.1, NM_001379641.1 and 6 more transcripts); c.3083G>A, p.Arg1028His (NM_001379637.1, NM_001379648.1); c.3005G>A, p.Arg1002His (NM_001379640.1); short protein forms R1037H, R1104H, R1012H, R1129H, R1002H, R1095H, R1003H, R1028H.
Identifiers: ClinVar variation 2937148 (VCV002937148.3), dbSNP rs2537289060, ClinGen allele CA351317950.